The following is an entry in ClinVar:

NM_001369.3(DNAH5):c.11239A>T (p.Met3747Leu)

Genes: DNAH5 (dynein axonemal heavy chain 5; minus strand), LOC107457585 (meiotic recombination hotspot J; plus strand). Cytogenetic location: 5p15.2.
Variant type: single nucleotide variant.
Coding change: c.11239A>T on transcript NM_001369.3 (MANE Select); coding-DNA position 11239, A replaced by T.
Protein change: p.Met3747Leu; replaces methionine 3747 with leucine.
Molecular consequence: missense variant.
Genome position (GRCh38, 1-based): chr5:13,737,468, T>A on the plus strand (A>T on the coding strand, the complement: DNAH5 is on the minus strand). VCF-style: chr5-13737468-T-A. GRCh37 (hg19) VCF-style: chr5-13737577-T-A.
Other names: c.11239A>T (NM_001369.2); short protein forms M3747L.
Identifiers: ClinVar variation 2719692 (VCV002719692.4), dbSNP rs768267942, ClinGen allele CA3202016.
Genomic context (GRCh38, chr5:13,737,468, plus strand): 5'-GGTAAAGCAAGTTATCTTCTAGTTCCTTCATCCTTCTTTTGTTTGCAGTTACATCTTCCA[T>A]CAGATGAGTTCTTTCTTTCTCCAATTCCTATTAATTTGCATAAATATATTTTCTACCTCA-3'
Protein context (NP_001360.1, residues 3737-3757): QELEKERTHL[Met3747Leu]EDVTANKRRM

ClinVar aggregate classification (germline): Conflicting classifications of pathogenicity. Review status: criteria provided, conflicting classifications (1 of 4 stars). 2 submissions from 2 submitters: Uncertain significance (1); Likely benign (1). Last evaluated 2026-08-10.

Conditions:
Primary ciliary dyskinesia. Also called: Ciliary dyskinesia. Identifiers: Orphanet 244, MedGen C0008780, MONDO:0016575, HP:0012265.

Allele frequency attached by ClinVar (database versions not stated): ExAC 0.00001; gnomAD 0.00002.
gnomAD v4.1: 7 of 1,613,918 alleles (0.00043%); highest among the groups gnomAD compares: African/African-American, 0.0067%; no homozygotes.

Submissions (2):

Ambry Genetics
Classification: Uncertain significance for Primary ciliary dyskinesia. Last evaluated: 2026-08-10. Review status: criteria provided, single submitter. Criteria: Ambry Variant Classification Scheme 2023. Collection method: clinical testing. Allele origin: germline.
Comment: The p.M3747L variant (also known as c.11239A>T), located in coding exon 66 of the DNAH5 gene, results from an A to T substitution at nucleotide position 11239. The methionine at codon 3747 is replaced by leucine, an amino acid with highly similar properties. This amino acid position is conserved. In addition, this alteration is predicted to be tolerated by in silico analysis. Based on the available evidence, the clinical significance of this variant remains unclear.

Labcorp Genetics (formerly Invitae), Labcorp
Classification: Likely benign for Primary ciliary dyskinesia. Last evaluated: 2024-08-20. Review status: criteria provided, single submitter. Criteria: Invitae Variant Classification Sherloc (09022015). Collection method: clinical testing. Allele origin: germline.